The following is an entry in ClinVar:

ClinVar aggregate classification (germline): Likely benign (1 of 4 stars; one submission).

gnomAD v4.1: 4 of 1,516,354 alleles (0.00026%); highest among the groups gnomAD compares: Non-Finnish European, 0.00026%; no homozygotes.

Submission:

CeGaT Center for Human Genetics Tuebingen
Classification: Likely benign. Last evaluated: 2025-03-01. Review status: criteria provided, single submitter. Criteria: CeGaT Center For Human Genetics Tuebingen Variant Classification Criteria Version 2. Collection method: clinical testing. Allele origin: germline. Affected: yes. Observed: 1 variant allele.
Comment: TTC19: BP4, BP7

NM_017775.4(TTC19):c.6C>T (p.Phe2=)

Genes: TTC19 (tetratricopeptide repeat domain 19; plus strand), LOC130060311 (ATAC-STARR-seq lymphoblastoid silent region 8214; plus strand). Cytogenetic location: 17p12.
Variant type: single nucleotide variant.
Coding change: c.6C>T on transcript NM_017775.4 (MANE Select); coding-DNA position 6, C replaced by T.
Protein change: p.Phe2=; no amino-acid change (phenylalanine 2 retained).
Molecular consequence: synonymous variant. On other transcripts: 5 prime UTR variant (1).
Genome position (GRCh38, 1-based): chr17:15,999,854, C>T. VCF-style: chr17-15999854-C-T. GRCh37 (hg19) VCF-style: chr17-15903168-C-T.
Other names: c.-453C>T (NM_001271420.2).
Identifiers: ClinVar variation 3778252 (VCV003778252.7).